The following is an entry in ClinVar:

NM_014874.4(MFN2):c.1529G>A (p.Arg510Gln)

Gene: MFN2 (mitofusin 2; plus strand). Cytogenetic location: 1p36.22.
Variant type: single nucleotide variant.
Coding change: c.1529G>A on transcript NM_014874.4 (MANE Select); coding-DNA position 1529, G replaced by A.
Protein change: p.Arg510Gln; replaces arginine 510 with glutamine.
Molecular consequence: missense variant.
Genome position (GRCh38, 1-based): chr1:12,005,744, G>A. VCF-style: chr1-12005744-G-A. GRCh37 (hg19) VCF-style: chr1-12065801-G-A.
Other names: c.1529G>A, p.Arg510Gln (NM_001127660.2); short protein forms R510Q.
Identifiers: ClinVar variation 696326 (VCV000696326.52), dbSNP rs376598131, ClinGen allele CA599151.
Genomic context (GRCh38, chr1:12,005,744, plus strand): 5'-CTTTTCCTCCATTTCTCTTCCTGACAGATGGCTTGAAACCCCTCCTTCCTGTGTCTGTGC[G>A]GAGTCAGATAGACATGCTGGTCCCACGCCAGTGCTTCTCCCTCAACTATGACCTAAACTG-3'
Protein context (NP_055689.1, residues 500-520): GLKPLLPVSV[Arg510Gln]SQIDMLVPRQ

ClinVar aggregate classification (germline): Conflicting classifications of pathogenicity. Review status: criteria provided, conflicting classifications (1 of 4 stars). 8 submissions from 8 submitters: Uncertain significance (1); Benign (2); Likely benign (4). 1 of the submissions does not count toward it. Last evaluated 2025-11-03.

Conditions:
MFN2-related disorder. Also called: MFN2-related condition; MFN2-related disorders.
Charcot-Marie-Tooth disease. Also called: Charcot-Marie-Tooth Neuropathy; Charcot-Marie-Tooth Hereditary Neuropathy. Identifiers: Orphanet 166, MedGen C0007959, MONDO:0015626.
Charcot-Marie-Tooth disease type 2. Also called: Charcot-Marie-Tooth type 2. Identifiers: Orphanet 64746, MedGen C0270914, MONDO:0018993.
Inborn genetic diseases. Identifiers: MedGen C0950123, MeSH D030342.
Hereditary ataxia. Also called: Hereditary Ataxias. Identifiers: Orphanet 183518, MedGen C0004138, MONDO:0100309, MONDO:0000557.

Allele frequency attached by ClinVar (database versions not stated): ESP Exome Variant Server 0.00008; gnomAD 0.00015 and 0.00004; 1000 Genomes Project 30x 0.00016; TOPMed 0.00005; 1000 Genomes Project 0.00020; gnomAD exomes 0.00020 and 0.00038; ExAC 0.00037.
gnomAD v4.1: 311 of 1,614,156 alleles (0.019%); highest among the groups gnomAD compares: South Asian, 0.27%; 7 homozygotes.

Submissions (8):

Labcorp Genetics (formerly Invitae), Labcorp
Classification: Benign for Charcot-Marie-Tooth disease type 2. Last evaluated: 2025-11-03. Review status: criteria provided, single submitter. Criteria: Invitae Variant Classification Sherloc (09022015). Collection method: clinical testing. Allele origin: germline.

Blueprint Genetics
Classification: Likely benign. Last evaluated: 2024-08-30. Review status: criteria provided, single submitter. Criteria: ACMG Guidelines, 2015. Collection method: clinical testing. Allele origin: germline.

CeGaT Center for Human Genetics Tuebingen
Classification: Uncertain significance. Last evaluated: 2021-07-01. Review status: criteria provided, single submitter. Criteria: CeGaT Center For Human Genetics Tuebingen Variant Classification Criteria Version 2. Collection method: clinical testing. Allele origin: germline. Affected: yes. Observed: 1 variant allele.

GeneDx
Classification: Likely benign. Last evaluated: 2020-12-07. Review status: criteria provided, single submitter. Criteria: GeneDx Variant Classification Process June 2021. Collection method: clinical testing. Allele origin: germline. Affected: yes.
Comment: See Variant Classification Assertion Criteria.

Cambridge Genomics Laboratory, East Genomic Laboratory Hub, NHS Genomic Medicine Service
Classification: Benign for Hereditary ataxia. Last evaluated: 2019-12-06. Review status: criteria provided, single submitter. Criteria: ACGS Best Practice Guidelines for Variant Classification in Rare Disease 2020. Collection method: clinical testing. Allele origin: germline. Affected: yes. Observed: 1 variant allele.

Ambry Genetics
Classification: Likely benign for Inborn genetic diseases. Last evaluated: 2019-09-16. Review status: criteria provided, single submitter. Criteria: Ambry Variant Classification Scheme 2023. Collection method: clinical testing. Allele origin: germline.

Molecular Genetics Laboratory, London Health Sciences Centre
Classification: Likely benign for Charcot-Marie-Tooth disease. Review status: criteria provided, single submitter. Criteria: ACMG Guidelines, 2015. Collection method: clinical testing. Allele origin: germline. Affected: yes.

PreventionGenetics, part of Exact Sciences
Classification: Likely benign for MFN2-related condition. Last evaluated: 2022-08-26. Review status: no assertion criteria provided. Collection method: clinical testing. Allele origin: germline. Not counted in ClinVar's aggregate classification.
Comment: This variant is classified as likely benign based on ACMG/AMP sequence variant interpretation guidelines (Richards et al. 2015 PMID: 25741868, with internal and published modifications).